The following is an entry in ClinVar:

NM_000017.4(ACADS):c.730G>A (p.Glu244Lys)

Gene: ACADS (acyl-CoA dehydrogenase short chain; plus strand). Cytogenetic location: 12q24.31.
Variant type: single nucleotide variant.
Coding change: c.730G>A on transcript NM_000017.4 (MANE Select); coding-DNA position 730, G replaced by A.
Protein change: p.Glu244Lys; replaces glutamic acid 244 with lysine.
Molecular consequence: missense variant.
Genome position (GRCh38, 1-based): chr12:120,738,385, G>A. VCF-style: chr12-120738385-G-A. GRCh37 (hg19) VCF-style: chr12-121176188-G-A.
Other names: c.730G>A (NM_000017.3); c.718G>A, p.Glu240Lys (NM_001302554.2); short protein forms E240K, E244K.
Identifiers: ClinVar variation 1007369 (VCV001007369.10), dbSNP rs551883820, ClinGen allele CA6831045.

ClinVar aggregate classification (germline): Uncertain significance. Review status: criteria provided, multiple submitters, no conflicts (2 of 4 stars). 2 submissions from 2 submitters: Uncertain significance (2). Last evaluated 2025-09-10.

Conditions:
Deficiency of butyryl-CoA dehydrogenase (ACADSD). Also called: Short-Chain Acyl-CoA Dehydrogenase Deficiency; SCADH DEFICIENCY; SCAD DEFICIENCY, MILD; ACYL-CoA DEHYDROGENASE, SHORT-CHAIN, DEFICIENCY OF; SCAD Deficiency; ACADS DEFICIENCY. Identifiers: Orphanet 26792, MedGen C0342783, MONDO:0008722, OMIM 201470. Disease mechanism: May be benign.

Allele frequency attached by ClinVar (database versions not stated): ExAC 0.00002; gnomAD exomes 0.00002 and 0.00003; 1000 Genomes Project 30x 0.00016; 1000 Genomes Project 0.00020.

Submissions (2):

Genomic Medicine Center of Excellence, King Faisal Specialist Hospital and Research Centre
Classification: Uncertain significance for Deficiency of butyryl-CoA dehydrogenase. Last evaluated: 2025-09-10. Review status: criteria provided, single submitter. Criteria: ACMG Guidelines, 2015. Collection method: clinical testing. Allele origin: germline.

Labcorp Genetics (formerly Invitae), Labcorp
Classification: Uncertain significance for Deficiency of butyryl-CoA dehydrogenase. Last evaluated: 2024-05-01. Review status: criteria provided, single submitter. Criteria: Invitae Variant Classification Sherloc (09022015). Collection method: clinical testing. Allele origin: germline.
Comment: This sequence change replaces glutamic acid, which is acidic and polar, with lysine, which is basic and polar, at codon 244 of the ACADS protein (p.Glu244Lys). This variant is present in population databases (rs551883820, gnomAD 0.02%). This variant has not been reported in the literature in individuals affected with ACADS-related conditions. ClinVar contains an entry for this variant (Variation ID: 1007369). Advanced modeling of protein sequence and biophysical properties (such as structural, functional, and spatial information, amino acid conservation, physicochemical variation, residue mobility, and thermodynamic stability) has been performed at Invitae for this missense variant, however the output from this modeling did not meet the statistical confidence thresholds required to predict the impact of this variant on ACADS protein function. In summary, the available evidence is currently insufficient to determine the role of this variant in disease. Therefore, it has been classified as a Variant of Uncertain Significance.